The following is an entry in ClinVar:

NM_003200.5(TCF3):c.1031A>G (p.His344Arg)

Gene: TCF3 (transcription factor 3; minus strand). Cytogenetic location: 19p13.3.
Variant type: single nucleotide variant.
Coding change: c.1031A>G on transcript NM_003200.5 (MANE Select); coding-DNA position 1031, A replaced by G.
Protein change: p.His344Arg; replaces histidine 344 with arginine.
Molecular consequence: missense variant.
Genome position (GRCh38, 1-based): chr19:1,621,030, T>C on the plus strand (A>G on the coding strand, the complement: TCF3 is on the minus strand). VCF-style: chr19-1621030-T-C. GRCh37 (hg19) VCF-style: chr19-1621029-T-C.
Other names: c.1031A>G, p.His344Arg (NM_001351778.2, NM_001351779.2, NM_001136139.4); short protein forms H344R.
Identifiers: ClinVar variation 3628922 (VCV003628922.2).

ClinVar aggregate classification (germline): Uncertain significance (1 of 4 stars; one submission).

gnomAD v4.1: 5 of 1,514,532 alleles (0.00033%); highest among the groups gnomAD compares: Non-Finnish European, 0.00044%; no homozygotes.

Submission:

Labcorp Genetics (formerly Invitae), Labcorp
Classification: Uncertain significance. Last evaluated: 2024-11-05. Review status: criteria provided, single submitter. Criteria: Invitae Variant Classification Sherloc (09022015). Collection method: clinical testing. Allele origin: germline.
Comment: This sequence change replaces histidine, which is basic and polar, with arginine, which is basic and polar, at codon 344 of the TCF3 protein (p.His344Arg). This variant is not present in population databases (gnomAD no frequency). This variant has not been reported in the literature in individuals affected with TCF3-related conditions. Invitae Evidence Modeling of protein sequence and biophysical properties (such as structural, functional, and spatial information, amino acid conservation, physicochemical variation, residue mobility, and thermodynamic stability) indicates that this missense variant is expected to disrupt TCF3 protein function with a positive predictive value of 80%. In summary, the available evidence is currently insufficient to determine the role of this variant in disease. Therefore, it has been classified as a Variant of Uncertain Significance.